The following is an entry in ClinVar:

ClinVar aggregate classification (germline): Uncertain significance (1 of 4 stars; one submission).

Conditions:
Inborn genetic diseases. Identifiers: MedGen C0950123, MeSH D030342.

Submission:

Ambry Genetics
Classification: Uncertain significance for Inborn genetic diseases. Last evaluated: 2025-01-25. Review status: criteria provided, single submitter. Criteria: Ambry Variant Classification Scheme 2023. Collection method: clinical testing. Allele origin: germline.
Comment: The p.I277T variant (also known as c.830T>C), located in coding exon 1 of the SAMD9L gene, results from a T to C substitution at nucleotide position 830. The isoleucine at codon 277 is replaced by threonine, an amino acid with similar properties. This amino acid position is conserved. In addition, this alteration is predicted to be tolerated by in silico analysis. Based on the available evidence, the clinical significance of this variant remains unclear.

NM_152703.5(SAMD9L):c.830T>C (p.Ile277Thr)

Gene: SAMD9L (sterile alpha motif domain containing 9 like; minus strand). Cytogenetic location: 7q21.2.
Variant type: single nucleotide variant.
Coding change: c.830T>C on transcript NM_152703.5 (MANE Select); coding-DNA position 830, T replaced by C.
Protein change: p.Ile277Thr; replaces isoleucine 277 with threonine.
Molecular consequence: missense variant.
Genome position (GRCh38, 1-based): chr7:93,135,142, A>G on the plus strand (T>C on the coding strand, the complement: SAMD9L is on the minus strand). VCF-style: chr7-93135142-A-G. GRCh37 (hg19) VCF-style: chr7-92764455-A-G.
Other names: c.830T>C, p.Ile277Thr (NM_001303496.3, NM_001303497.3, NM_001303498.3 and 5 more transcripts); short protein forms I277T.
Identifiers: ClinVar variation 3792351 (VCV003792351.1).